The following is an entry in ClinVar:

NM_206926.2(SELENON):c.1073C>T (p.Ser358Leu)

Gene: SELENON (selenoprotein N; plus strand). Cytogenetic location: 1p36.11.
Variant type: single nucleotide variant.
Coding change: c.1073C>T on transcript NM_206926.2 (MANE Select); coding-DNA position 1073, C replaced by T.
Protein change: p.Ser358Leu; replaces serine 358 with leucine.
Molecular consequence: missense variant.
Genome position (GRCh38, 1-based): chr1:25,811,773, C>T. VCF-style: chr1-25811773-C-T. GRCh37 (hg19) VCF-style: chr1-26138264-C-T.
Other names: c.1175C>T, p.Ser392Leu (NM_020451.3); c.1175C>T (NM_020451.2); short protein forms S358L, S392L.
Identifiers: ClinVar variation 1382038 (VCV001382038.5), dbSNP rs758620314, ClinGen allele CA696787.

ClinVar aggregate classification (germline): Uncertain significance. Review status: criteria provided, multiple submitters, no conflicts (2 of 4 stars). 2 submissions from 2 submitters: Uncertain significance (2). Last evaluated 2023-10-03.

Conditions:
Eichsfeld type congenital muscular dystrophy (CMYO3). Also called: MYOPATHY, SEPN1-RELATED; SELENON-related myopathy; Congenital myopathy 3 with rigid spine; Rigid spine muscular dystrophy 1. Identifiers: MedGen C0410180, MONDO:0100100, OMIM 602771.
Inborn genetic diseases. Identifiers: MedGen C0950123, MeSH D030342.

Allele frequency attached by ClinVar (database versions not stated): gnomAD exomes 0.00001 and below 0.00001; ExAC 0.00002.

Submissions (2):

Ambry Genetics
Classification: Uncertain significance for Inborn genetic diseases. Last evaluated: 2023-10-03. Review status: criteria provided, single submitter. Criteria: Ambry Variant Classification Scheme 2023. Collection method: clinical testing. Allele origin: germline.

Labcorp Genetics (formerly Invitae), Labcorp
Classification: Uncertain significance for Eichsfeld type congenital muscular dystrophy. Last evaluated: 2021-03-22. Review status: criteria provided, single submitter. Criteria: Invitae Variant Classification Sherloc (09022015). Collection method: clinical testing. Allele origin: germline.
Comment: In summary, the available evidence is currently insufficient to determine the role of this variant in disease. Therefore, it has been classified as a Variant of Uncertain Significance. Algorithms developed to predict the effect of missense changes on protein structure and function are either unavailable or do not agree on the potential impact of this missense change (SIFT: "Deleterious"; PolyPhen-2: "Probably Damaging"; Align-GVGD: "Class C0"). This variant has not been reported in the literature in individuals with SELENON-related conditions. This variant is present in population databases (rs758620314, ExAC 0.003%). This sequence change replaces serine with leucine at codon 392 of the SELENON protein (p.Ser392Leu). The serine residue is highly conserved and there is a large physicochemical difference between serine and leucine.